The following is an entry in ClinVar:

NM_001277115.2(DNAH11):c.8099C>T (p.Thr2700Met)

Gene: DNAH11 (dynein axonemal heavy chain 11; plus strand). Cytogenetic location: 7p15.3.
Variant type: single nucleotide variant.
Coding change: c.8099C>T on transcript NM_001277115.2 (MANE Select); coding-DNA position 8099, C replaced by T.
Protein change: p.Thr2700Met; replaces threonine 2700 with methionine.
Molecular consequence: missense variant.
Genome position (GRCh38, 1-based): chr7:21,742,111, C>T. VCF-style: chr7-21742111-C-T. GRCh37 (hg19) VCF-style: chr7-21781729-C-T.
Other names: c.8099C>T (NM_001277115.1); short protein forms T2700M.
Identifiers: ClinVar variation 1687221 (VCV001687221.6), dbSNP rs369684624, ClinGen allele CA4181460.

ClinVar aggregate classification (germline): Conflicting classifications of pathogenicity. Review status: criteria provided, conflicting classifications (1 of 4 stars). 3 submissions from 3 submitters: Uncertain significance (2); Likely benign (1). Last evaluated 2025-12-01.

Conditions:
Primary ciliary dyskinesia 7. Also called: CILIARY DYSKINESIA, PRIMARY, 7, WITH OR WITHOUT SITUS INVERSUS. Identifiers: Orphanet 244, MedGen C2678473, MONDO:0012748, OMIM 611884.
Primary ciliary dyskinesia. Also called: Ciliary dyskinesia. Identifiers: Orphanet 244, MedGen C0008780, MONDO:0016575, HP:0012265.

Allele frequency attached by ClinVar (database versions not stated): ExAC 0.00001; gnomAD 0.00001; TOPMed 0.00001; gnomAD exomes 0.00002; ESP Exome Variant Server 0.00008.
gnomAD v4.1: 30 of 1,613,730 alleles (0.0019%); highest among the groups gnomAD compares: Non-Finnish European, 0.0023%; no homozygotes.

Submissions (3):

Labcorp Genetics (formerly Invitae), Labcorp
Classification: Likely benign for Primary ciliary dyskinesia. Last evaluated: 2025-12-01. Review status: criteria provided, single submitter. Criteria: Invitae Variant Classification Sherloc (09022015). Collection method: clinical testing. Allele origin: germline.

3billion
Classification: Uncertain significance for Primary ciliary dyskinesia 7. Last evaluated: 2022-05-22. Review status: criteria provided, single submitter. Criteria: ACMG Guidelines, 2015. Collection method: clinical testing. Allele origin: germline. Affected: yes. Observed: 1 homozygote.
Comment: The variant is observed at an extremely low frequency in the gnomAD v2.1.1 dataset (total allele frequency: 0.002%). Protein truncation variants are a common disease-causing mechanism. Therefore, this variant is classified as uncertain significanceaccording to the recommendation of ACMG/AMP guideline.

Ambry Genetics
Classification: Uncertain significance for Primary ciliary dyskinesia. Last evaluated: 2018-02-16. Review status: criteria provided, single submitter. Criteria: Ambry Variant Classification Scheme 2023. Collection method: clinical testing. Allele origin: germline.
Comment: The p.T2700M variant (also known as c.8099C>T), located in coding exon 49 of the DNAH11 gene, results from a C to T substitution at nucleotide position 8099. The threonine at codon 2700 is replaced by methionine, an amino acid with similar properties. This nucleotide position is highly conserved in available vertebrate species. This amino acid position is highly conserved in available vertebrate species. In addition, the in silico prediction for this alteration is inconclusive. Since supporting evidence is limited at this time, the clinical significance of this alteration remains unclear.